The following is an entry in ClinVar:

NM_000834.5(GRIN2B):c.3339G>T (p.Pro1113=)

Gene: GRIN2B (glutamate ionotropic receptor NMDA type subunit 2B; minus strand). Cytogenetic location: 12p13.1.
Variant type: single nucleotide variant.
Coding change: c.3339G>T on transcript NM_000834.5 (MANE Select); coding-DNA position 3339, G replaced by T.
Protein change: p.Pro1113=; no amino-acid change (proline 1113 retained).
Molecular consequence: synonymous variant.
Genome position (GRCh38, 1-based): chr12:13,563,899, C>A on the plus strand (G>T on the coding strand, the complement: GRIN2B is on the minus strand). VCF-style: chr12-13563899-C-A. GRCh37 (hg19) VCF-style: chr12-13716833-C-A.
Identifiers: ClinVar variation 509763 (VCV000509763.9), dbSNP rs200660626, ClinGen allele CA478848352.

ClinVar aggregate classification (germline): Likely benign. Review status: criteria provided, multiple submitters, no conflicts (2 of 4 stars). 2 submissions from 2 submitters: Likely benign (2). Last evaluated 2025-01-22.

Conditions:
Developmental and epileptic encephalopathy, 27 (DEE27). Also called: GRIN2B-Related Neurodevelopmental Disorder; Epileptic encephalopathy, early infantile, 27. Identifiers: Orphanet 3451, MedGen C4015316, MONDO:0014505, OMIM 616139.
Intellectual developmental disorder, autosomal dominant 6, with or without seizures. Also called: GRIN2B-related developmental delay, intellectual disability and autism spectrum disorder; Intellectual disability, autosomal dominant 6. Identifiers: Orphanet 589547, MedGen C3151411, MONDO:0013509, OMIM 613970.

gnomAD v4.1: 6 of 1,613,952 alleles (0.00037%); highest among the groups gnomAD compares: Admixed American, 0.0033%; no homozygotes.

Submissions (2):

Labcorp Genetics (formerly Invitae), Labcorp
Classification: Likely benign for Developmental and epileptic encephalopathy, 27; Intellectual developmental disorder, autosomal dominant 6, with or without seizures. Last evaluated: 2025-01-22. Review status: criteria provided, single submitter. Criteria: Invitae Variant Classification Sherloc (09022015). Collection method: clinical testing. Allele origin: germline.

GeneDx
Classification: Likely benign. Last evaluated: 2017-05-25. Review status: criteria provided, single submitter. Criteria: GeneDx Variant Classification (06012015). Collection method: clinical testing. Allele origin: germline. Affected: yes.
Comment: This variant is considered likely benign or benign based on one or more of the following criteria: it is a conservative change, it occurs at a poorly conserved position in the protein, it is predicted to be benign by multiple in silico algorithms, and/or has population frequency not consistent with disease.